The following is an entry in ClinVar:

NM_012193.4(FZD4):c.614del (p.Gly205fs)

Genes: FZD4 (frizzled class receptor 4; minus strand), PRSS23 (serine protease 23; plus strand). Cytogenetic location: 11q14.2.
Variant type: Deletion.
Coding change: c.614del on transcript NM_012193.4 (MANE Select); coding-DNA position 614, one base deleted (G; older notation c.614delG).
Protein change: p.Gly205fs; shifts the reading frame from glycine 205.
Molecular consequence: frameshift variant. On other transcripts: non-coding transcript variant (2).
Genome position (GRCh38, 1-based): chr11:86,952,142, C deleted on the plus strand (G on the coding strand, the reverse complement: FZD4 is on the minus strand); the first of 2 consecutive C bases (chr11:86,952,142-86,952,143); deleting either gives the same sequence. VCF-style (leftmost placement, unchanged base first): chr11-86952141-GC-G. GRCh37 (hg19) VCF-style: chr11-86663183-GC-G.
Other names: c.614delG (NM_012193.3); c.614del (NM_012193.3); short protein forms G205fs.
Identifiers: ClinVar variation 817411 (VCV000817411.2), dbSNP rs1590943821, ClinGen allele CA915947682.

ClinVar aggregate classification (germline): Likely pathogenic (1 of 4 stars; one submission).

Submission:

GeneDx
Classification: Likely pathogenic. Last evaluated: 2023-07-26. Review status: criteria provided, single submitter. Criteria: GeneDx Variant Classification Process June 2021. Collection method: clinical testing. Allele origin: germline. Affected: yes.
Comment: Frameshift variant predicted to result in protein truncation, as the last 133 amino acids are replaced with 34 different amino acids, and other loss-of-function variants have been reported downstream in HGMD; Not observed at significant frequency in large population cohorts (gnomAD); Has not been previously published as pathogenic or benign to our knowledge